The following is an entry in ClinVar:

ClinVar aggregate classification (germline): Uncertain significance (1 of 4 stars; one submission).

Conditions:
Nephronophthisis 14 (NPHP14). Identifiers: Orphanet 2318, MedGen C3539071, MONDO:0013916, OMIM 614844.

Submission:

Labcorp Genetics (formerly Invitae), Labcorp
Classification: Uncertain significance for Nephronophthisis 14. Last evaluated: 2022-02-11. Review status: criteria provided, single submitter. Criteria: Invitae Variant Classification Sherloc (09022015). Collection method: clinical testing. Allele origin: germline.
Comment: In summary, the available evidence is currently insufficient to determine the role of this variant in disease. Therefore, it has been classified as a Variant of Uncertain Significance. Algorithms developed to predict the effect of missense changes on protein structure and function (SIFT, PolyPhen-2, Align-GVGD) all suggest that this variant is likely to be tolerated. ClinVar contains an entry for this variant (Variation ID: 651985). This variant has not been reported in the literature in individuals affected with ZNF423-related conditions. This variant is not present in population databases (gnomAD no frequency). This sequence change replaces leucine, which is neutral and non-polar, with proline, which is neutral and non-polar, at codon 463 of the ZNF423 protein (p.Leu463Pro).

NM_001379286.1(ZNF423):c.1412T>C (p.Leu471Pro)

Gene: ZNF423 (zinc finger protein 423; minus strand). Cytogenetic location: 16q12.1.
Variant type: single nucleotide variant.
Coding change: c.1412T>C on transcript NM_001379286.1 (MANE Select); coding-DNA position 1412, T replaced by C.
Protein change: p.Leu471Pro; replaces leucine 471 with proline.
Molecular consequence: missense variant.
Genome position (GRCh38, 1-based): chr16:49,637,764, A>G on the plus strand (T>C on the coding strand, the complement: ZNF423 is on the minus strand). VCF-style: chr16-49637764-A-G. GRCh37 (hg19) VCF-style: chr16-49671675-A-G.
Other names: c.1208T>C, p.Leu403Pro (NM_001271620.2); c.1037T>C, p.Leu346Pro (NM_001330533.2); c.1388T>C, p.Leu463Pro (NM_015069.5); short protein forms L346P, L463P, L403P, L471P.
Identifiers: ClinVar variation 651985 (VCV000651985.8), dbSNP rs1596763863, ClinGen allele CA395849523.
Genomic context (GRCh38, chr16:49,637,764, plus strand): 5'-TTGCAGTGGAAGGCAGAGATGTTGCCAAACTGCATCACAGGGTAGGCATGGTTCTTGTGC[A>G]GCTTGCGAACGTGCTCGTTGAGGTTGTAGAGGGTGGGCATGGAGTCCAGGCAGATCTGAC-3'
Protein context (NP_001366215.1, residues 461-481): LYNLNEHVRK[Leu471Pro]HKNHAYPVMQ